The following is an entry in ClinVar:

NM_000548.5(TSC2):c.3845G>T (p.Ser1282Ile)

Gene: TSC2 (TSC complex subunit 2; plus strand). Cytogenetic location: 16p13.3.
Variant type: single nucleotide variant.
Coding change: c.3845G>T on transcript NM_000548.5 (MANE Select); coding-DNA position 3845, G replaced by T.
Protein change: p.Ser1282Ile; replaces serine 1282 with isoleucine.
Molecular consequence: missense variant. On other transcripts: intron variant (6).
Genome position (GRCh38, 1-based): chr16:2,082,466, G>T. VCF-style: chr16-2082466-G-T. GRCh37 (hg19) VCF-style: chr16-2132467-G-T.
Other names: c.3113G>T, p.Ser1038Ile (NM_001318831.2); c.3713G>T, p.Ser1238Ile (NM_001370404.1); c.3716G>T, p.Ser1239Ile (NM_001370405.1, NM_021055.3); c.3814+668G>T (NM_001114382.3); c.3685+668G>T (NM_001363528.2); c.3682+668G>T (NM_001077183.3); c.3574+668G>T (NM_001318827.2); c.3538+668G>T (NM_001318829.2); and 1 more; short protein forms S1282I, S1239I, S1038I, S1238I.
Identifiers: ClinVar variation 644205 (VCV000644205.9), dbSNP rs1596404603, ClinGen allele CA394294942.

ClinVar aggregate classification (germline): Uncertain significance. Review status: criteria provided, multiple submitters, no conflicts (2 of 4 stars). 2 submissions from 2 submitters: Uncertain significance (2). Last evaluated 2026-09-01.

Conditions:
Hereditary cancer-predisposing syndrome. Also called: Neoplastic Syndromes, Hereditary; Hereditary Cancer Syndrome; Hereditary neoplastic syndrome; Tumor predisposition. Identifiers: Orphanet 140162, MedGen C0027672, MeSH D009386, MONDO:0015356.
Tuberous sclerosis 2 (TSC2). Identifiers: Orphanet 805, MedGen C1860707, MONDO:0013199, OMIM 613254.

Submissions (2):

Ambry Genetics
Classification: Uncertain significance for Hereditary cancer-predisposing syndrome. Last evaluated: 2026-09-01. Review status: criteria provided, single submitter. Criteria: Ambry Variant Classification Scheme 2023. Collection method: clinical testing. Allele origin: germline.

Labcorp Genetics (formerly Invitae), Labcorp
Classification: Uncertain significance for Tuberous sclerosis 2. Last evaluated: 2018-09-19. Review status: criteria provided, single submitter. Criteria: Invitae Variant Classification Sherloc (09022015). Collection method: clinical testing. Allele origin: germline.
Comment: This variant has not been reported in the literature in individuals with TSC2-related disease. This sequence change replaces serine with isoleucine at codon 1282 of the TSC2 protein (p.Ser1282Ile). The serine residue is moderately conserved and there is a large physicochemical difference between serine and isoleucine. This variant is not present in population databases (ExAC no frequency). Algorithms developed to predict the effect of missense changes on protein structure and function are either unavailable or do not agree on the potential impact of this missense change (SIFT: "Tolerated"; PolyPhen-2: "Possibly Damaging"; Align-GVGD: "Class C0"). In summary, the available evidence is currently insufficient to determine the role of this variant in disease. Therefore, it has been classified as a Variant of Uncertain Significance.